The following is an entry in ClinVar:

NM_001142800.2(EYS):c.5693A>G (p.Asn1898Ser)

Gene: EYS (EGF-like photoreceptor maintenance factor; minus strand). Cytogenetic location: 6q12.
Variant type: single nucleotide variant.
Coding change: c.5693A>G on transcript NM_001142800.2 (MANE Select); coding-DNA position 5693, A replaced by G.
Protein change: p.Asn1898Ser; replaces asparagine 1898 with serine.
Molecular consequence: missense variant.
Genome position (GRCh38, 1-based): chr6:64,439,304, T>C on the plus strand (A>G on the coding strand, the complement: EYS is on the minus strand). VCF-style: chr6-64439304-T-C. GRCh37 (hg19) VCF-style: chr6-65149197-T-C.
Other names: c.5693A>G (NM_001142800.1); c.5693A>G, p.Asn1898Ser (NM_001292009.2); short protein forms N1898S.
Identifiers: ClinVar variation 2146327 (VCV002146327.2), dbSNP rs758448822, ClinGen allele CA3876988.

ClinVar aggregate classification (germline): Uncertain significance. Review status: criteria provided, multiple submitters, no conflicts (2 of 4 stars). 2 submissions from 2 submitters: Uncertain significance (2). Last evaluated 2025-12-04.

Conditions:
Inborn genetic diseases. Identifiers: MedGen C0950123, MeSH D030342.

Allele frequency attached by ClinVar (database versions not stated): gnomAD 0.00001; ExAC 0.00005; gnomAD exomes 0.00001.
gnomAD v4.1: 20 of 1,518,854 alleles (0.0013%); highest among the groups gnomAD compares: South Asian, 0.0026%; no homozygotes.

Submissions (2):

Ambry Genetics
Classification: Uncertain significance for Inborn genetic diseases. Last evaluated: 2025-12-04. Review status: criteria provided, single submitter. Criteria: Ambry Variant Classification Scheme 2023. Collection method: clinical testing. Allele origin: germline.

Labcorp Genetics (formerly Invitae), Labcorp
Classification: Uncertain significance. Last evaluated: 2021-09-17. Review status: criteria provided, single submitter. Criteria: Invitae Variant Classification Sherloc (09022015). Collection method: clinical testing. Allele origin: germline.
Comment: This sequence change replaces asparagine with serine at codon 1898 of the EYS protein (p.Asn1898Ser). The asparagine residue is weakly conserved and there is a small physicochemical difference between asparagine and serine. This variant is present in population databases (rs758448822, ExAC 0.01%). This variant has been observed in individual(s) with clinical features of EYS-related conditions (Invitae). Algorithms developed to predict the effect of missense changes on protein structure and function (SIFT, PolyPhen-2, Align-GVGD) all suggest that this variant is likely to be tolerated. In summary, the available evidence is currently insufficient to determine the role of this variant in disease. Therefore, it has been classified as a Variant of Uncertain Significance.